The following is an entry in ClinVar:

NM_000051.4(ATM):c.6808-6_6808-2del

Genes: C11orf65 (chromosome 11 open reading frame 65; minus strand), ATM (ATM serine/threonine kinase; plus strand). Cytogenetic location: 11q22.3.
Variant type: Microsatellite.
Coding change: c.6808-6_6808-2del on transcript NM_000051.4 (MANE Select); 6 bases into the intron before coding-DNA position 6808 through the canonical splice acceptor site of the intron before coding-DNA position 6808, 5 bases deleted (TTTCA; older notation c.6808-6_6808-2delTTTCA).
Molecular consequence: splice acceptor variant. On other transcripts: intron variant (2).
Genome position (GRCh38, 1-based): chr11:108,326,052-108,326,056, TTTCA deleted; deleting any 5 consecutive bases within chr11:108,326,047-108,326,056 gives the same sequence; the c. name uses the placement nearest the transcript's 3' end. VCF-style (leftmost placement, unchanged base first): chr11-108326046-TTTTCA-T. GRCh37 (hg19) VCF-style: chr11-108196773-TTTTCA-T.
Other names: c.6808-6_6808-2del (NM_001351834.2); c.641-16980_641-16976del (NM_001330368.2); c.*38+9169_*38+9173del (NM_001351110.2).
Identifiers: ClinVar variation 1128677 (VCV001128677.49), dbSNP rs2085643760, ClinGen allele CA1998808165.

ClinVar aggregate classification (germline): Conflicting classifications of pathogenicity. Review status: criteria provided, conflicting classifications (1 of 4 stars). 2 submissions from 2 submitters: Uncertain significance (1); Likely benign (1). Last evaluated 2024-11-25.

Conditions:
Hereditary cancer-predisposing syndrome. Also called: Neoplastic Syndromes, Hereditary; Tumor predisposition; Hereditary Cancer Syndrome; Hereditary neoplastic syndrome. Identifiers: Orphanet 140162, MedGen C0027672, MeSH D009386, MONDO:0015356.
Ataxia-telangiectasia syndrome (AT). Also called: Ataxia telangiectasia (A-T); ATAXIA-TELANGIECTASIA, COMPLEMENTATION GROUP A; ATAXIA-TELANGIECTASIA, FRESNO VARIANT; Ataxia-telangiectasia; Ataxia-telangiectasia, complementation group E; LOUIS-BAR SYNDROME. Identifiers: Orphanet 100, MedGen C0004135, MONDO:0008840, OMIM 208900.

Submissions (2):

Ambry Genetics
Classification: Uncertain significance for Hereditary cancer-predisposing syndrome. Last evaluated: 2024-11-25. Review status: criteria provided, single submitter. Criteria: Ambry Variant Classification Scheme 2023. Collection method: clinical testing. Allele origin: germline.
Comment: The c.6808-6_6808-2delTTTCA intronic variant, located in intron 45 of the ATM gene, results from a deletion of 5 nucleotides within intron 45 of the ATM gene. The impacted nucleotide positions are well conserved in available vertebrate species. In silico splice site analysis predicts that this alteration may weaken the native splice acceptor site. Based on the available evidence, the clinical significance of this variant remains unclear.

Labcorp Genetics (formerly Invitae), Labcorp
Classification: Likely benign for Ataxia-telangiectasia syndrome. Last evaluated: 2023-12-26. Review status: criteria provided, single submitter. Criteria: Invitae Variant Classification Sherloc (09022015). Collection method: clinical testing. Allele origin: germline.